The following is an entry in ClinVar:

ClinVar aggregate classification (germline): Uncertain significance (1 of 4 stars; one submission).

Conditions:
Perrault syndrome 6 (PRLTS6). Identifiers: MedGen C4479656, MONDO:0033047, OMIM 617565.

Submission:

Juno Genomics, Hangzhou Juno Genomics, Inc
Classification: Uncertain significance for Perrault syndrome 6. Review status: criteria provided, single submitter. Criteria: ACMG Guidelines, 2015. Collection method: clinical testing. Allele origin: germline.
Comment: Absent from controls (or at extremely low frequency if recessive) in Genome Aggregation Database.;Multiple lines of computational evidence support a deleterious effect on the gene or gene product.

NM_005702.4(ERAL1):c.946G>A (p.Val316Met)

Genes: ERAL1 (Era like 12S mitochondrial rRNA chaperone 1; plus strand), LOC126862526 (BRD4-independent group 4 enhancer GRCh37_chr17:27185111-27186310; plus strand). Cytogenetic location: 17q11.2.
Variant type: single nucleotide variant.
Coding change: c.946G>A on transcript NM_005702.4 (MANE Select); coding-DNA position 946, G replaced by A.
Protein change: p.Val316Met; replaces valine 316 with methionine.
Molecular consequence: missense variant. On other transcripts: intron variant (1).
Genome position (GRCh38, 1-based): chr17:28,858,810, G>A. VCF-style: chr17-28858810-G-A. GRCh37 (hg19) VCF-style: chr17-27185828-G-A.
Other names: c.943G>A, p.Val315Met (NM_001317985.2); c.712-154G>A (NM_001317986.2); short protein forms V315M, V316M.
Identifiers: ClinVar variation 5005725 (VCV005005725.2).
Genomic context (GRCh38, chr17:28,858,810, plus strand): 5'-AGGATTGGCTGGCCCCACTTCAAGGAGATCTTCATGTTGTCAGCCCTAAGCCAGGAGGAC[G>A]TGAAAACACTAAAGGTCAGTTAGTCTTGGCCATAGCCTGGCCCTTGGTTTCTACCATATG-3'
Protein context (NP_005693.1, residues 306-326): FMLSALSQED[Val316Met]KTLKQYLLTQ